The following is an entry in ClinVar:

NM_000246.4(CIITA):c.871G>A (p.Ala291Thr)

Gene: CIITA (class II major histocompatibility complex transactivator; plus strand). Cytogenetic location: 16p13.13.
Variant type: single nucleotide variant.
Coding change: c.871G>A on transcript NM_000246.4 (MANE Select); coding-DNA position 871, G replaced by A.
Protein change: p.Ala291Thr; replaces alanine 291 with threonine.
Molecular consequence: missense variant. On other transcripts: non-coding transcript variant (1).
Genome position (GRCh38, 1-based): chr16:10,903,829, G>A. VCF-style: chr16-10903829-G-A. GRCh37 (hg19) VCF-style: chr16-10997686-G-A.
Other names: c.874G>A, p.Ala292Thr (NM_001286402.1, NM_001379332.1); c.724G>A, p.Ala242Thr (NM_001286403.2, NM_001379331.1); c.727G>A, p.Ala243Thr (NM_001379330.1); c.871G>A, p.Ala291Thr (NM_001379333.1); c.802G>A, p.Ala268Thr (NM_001379334.1); short protein forms A242T, A243T, A268T, A291T, A292T.
Identifiers: ClinVar variation 1184415 (VCV001184415.6), dbSNP rs377598648, ClinGen allele CA7899932.

ClinVar aggregate classification (germline): Uncertain significance. Review status: criteria provided, multiple submitters, no conflicts (2 of 4 stars). 2 submissions from 2 submitters: Uncertain significance (2). Last evaluated 2022-08-16.

Conditions:
MHC class II deficiency. Also called: Bare lymphocyte syndrome 2; BLS, TYPE II. Identifiers: Orphanet 572, MedGen C5447452, MONDO:0008855.

Allele frequency attached by ClinVar (database versions not stated): gnomAD exomes 0.00001; ExAC 0.00002; gnomAD 0.00002; TOPMed 0.00002; ESP Exome Variant Server 0.00008.
gnomAD v4.1: 17 of 1,614,012 alleles (0.0011%); highest among the groups gnomAD compares: South Asian, 0.0055%; no homozygotes.

Submissions (2):

Labcorp Genetics (formerly Invitae), Labcorp
Classification: Uncertain significance for MHC class II deficiency. Last evaluated: 2022-08-16. Review status: criteria provided, single submitter. Criteria: Invitae Variant Classification Sherloc (09022015). Collection method: clinical testing. Allele origin: germline.
Comment: This sequence change replaces alanine, which is neutral and non-polar, with threonine, which is neutral and polar, at codon 291 of the CIITA protein (p.Ala291Thr). This variant is present in population databases (rs377598648, gnomAD 0.007%). This variant has not been reported in the literature in individuals affected with CIITA-related conditions. ClinVar contains an entry for this variant (Variation ID: 1184415). Algorithms developed to predict the effect of missense changes on protein structure and function output the following: SIFT: "Tolerated"; PolyPhen-2: "Benign"; Align-GVGD: "Class C0". The threonine amino acid residue is found in multiple mammalian species, which suggests that this missense change does not adversely affect protein function. In summary, the available evidence is currently insufficient to determine the role of this variant in disease. Therefore, it has been classified as a Variant of Uncertain Significance.

New York Genome Center
Classification: Uncertain significance for MHC class II deficiency 1. Last evaluated: 2020-07-31. Review status: criteria provided, single submitter. Criteria: NYGC Assertion Criteria 2020. Collection method: clinical testing. Allele origin: inherited. Observed: 1 heterozygote. Study: CSER-NYCKidSeq.